The following is an entry in ClinVar:

NM_024411.5(PDYN):c.575A>T (p.Glu192Val)

Genes: PDYN (prodynorphin; minus strand), PDYN-AS1 (PDYN antisense RNA 1; plus strand). Cytogenetic location: 20p13.
Variant type: single nucleotide variant.
Coding change: c.575A>T on transcript NM_024411.5 (MANE Select); coding-DNA position 575, A replaced by T.
Protein change: p.Glu192Val; replaces glutamic acid 192 with valine.
Molecular consequence: missense variant.
Genome position (GRCh38, 1-based): chr20:1,980,513, T>A on the plus strand (A>T on the coding strand, the complement: PDYN is on the minus strand). VCF-style: chr20-1980513-T-A. GRCh37 (hg19) VCF-style: chr20-1961159-T-A.
Other names: p.Glu192Val; c.575A>T, p.Glu192Val (NM_001190892.1, NM_001190898.3, NM_001190899.2 and 1 more transcripts); short protein forms E192V.
Identifiers: ClinVar variation 337835 (VCV000337835.51), dbSNP rs45469293, ClinGen allele CA9730270.

ClinVar aggregate classification (germline): Benign/Likely benign. Review status: criteria provided, multiple submitters, no conflicts (2 of 4 stars). 9 submissions from 9 submitters: Benign (6); Likely benign (3). Last evaluated 2026-08-01.

Conditions:
PDYN-related disorder. Also called: PDYN-related condition.
Spinocerebellar ataxia type 23 (SCA23). Identifiers: Orphanet 101108, MedGen C1853250, MONDO:0012449, OMIM 610245.

Allele frequency attached by ClinVar (database versions not stated): 1000 Genomes Project 30x 0.00250; 1000 Genomes Project 0.00260; TOPMed 0.00509; gnomAD 0.00704 and 0.00742; gnomAD exomes 0.00951 and 0.00825; ESP Exome Variant Server 0.00753; ExAC 0.00857.

Submissions (9):

CeGaT Center for Human Genetics Tuebingen
Classification: Benign. Last evaluated: 2026-08-01. Review status: criteria provided, single submitter. Criteria: CeGaT Center For Human Genetics Tuebingen Variant Classification Criteria Version 2. Collection method: clinical testing. Allele origin: germline. Affected: yes. Observed: 26 variant alleles.
Comment: PDYN: BP4, BS1, BS2

Labcorp Genetics (formerly Invitae), Labcorp
Classification: Benign. Last evaluated: 2026-01-02. Review status: criteria provided, single submitter. Criteria: Invitae Variant Classification Sherloc (09022015). Collection method: clinical testing. Allele origin: germline.

PreventionGenetics, part of Exact Sciences
Classification: Benign for PDYN-related condition. Last evaluated: 2025-06-04. Review status: criteria provided, single submitter. Criteria: ACMG Guidelines, 2015. Collection method: clinical testing. Allele origin: germline.
Comment: This variant is classified as benign based on ACMG/AMP sequence variant interpretation guidelines (Richards et al. 2015 PMID: 25741868, with internal and published modifications).

GeneDx
Classification: Likely benign. Last evaluated: 2025-02-03. Review status: criteria provided, single submitter. Criteria: GeneDx Variant Classification Process June 2021. Collection method: clinical testing. Allele origin: germline. Affected: yes.
Comment: See Variant Classification Assertion Criteria.

Athena Diagnostics
Classification: Benign. Last evaluated: 2024-03-12. Review status: criteria provided, single submitter. Criteria: Athena Diagnostics Criteria. Collection method: clinical testing. Allele origin: unknown.

Mayo Clinic Laboratories, Mayo Clinic
Classification: Benign. Last evaluated: 2020-10-12. Review status: criteria provided, single submitter. Criteria: ACMG Guidelines, 2015. Collection method: clinical testing. Allele origin: germline. Observed: 34 variant alleles.

Illumina Laboratory Services, Illumina
Classification: Benign for Spinocerebellar ataxia type 23. Last evaluated: 2018-01-13. Review status: criteria provided, single submitter. Criteria: ICSL Variant Classification Criteria 13 December 2019. Collection method: clinical testing. Allele origin: germline.
Comment: This variant was observed in the ICSL laboratory as part of a predisposition screen in an ostensibly healthy population. It had not been previously curated by ICSL or reported in the Human Gene Mutation Database (HGMD: prior to June 1st, 2018), and was therefore a candidate for classification through an automated scoring system. Utilizing variant allele frequency, disease prevalence and penetrance estimates, and inheritance mode, an automated score was calculated to assess if this variant is too frequent to cause the disease. Based on the score and internal cut-off values, a variant classified as benign is not then subjected to further curation. The score for this variant resulted in a classification of benign for this disease.

Center for Pediatric Genomic Medicine, Children's Mercy Hospital and Clinics
Classification: Likely benign. Last evaluated: 2016-12-30. Review status: criteria provided, single submitter. Criteria: ACMG Guidelines, 2015. Collection method: clinical testing. Allele origin: germline.
ClinVar note: Converted during submission from Likely Benign to Likely benign.

Breakthrough Genomics
Classification: Likely benign. Review status: criteria provided, single submitter. Criteria: ACMG Guidelines, 2015. Collection method: not provided. Allele origin: germline. Inheritance: Autosomal dominant inheritance. Affected: yes.

Literature cited by the submitters: PubMed 23355175 (cited by Athena Diagnostics); PubMed 22243190 (cited by Athena Diagnostics).